The following is an entry in ClinVar:

NM_002047.4(GARS1):c.374A>G (p.Glu125Gly)

Gene: GARS1 (glycyl-tRNA synthetase 1; plus strand). Cytogenetic location: 7p14.3.
Variant type: single nucleotide variant.
Coding change: c.374A>G on transcript NM_002047.4 (MANE Select); coding-DNA position 374, A replaced by G.
Protein change: p.Glu125Gly; replaces glutamic acid 125 with glycine.
Molecular consequence: missense variant.
Genome position (GRCh38, 1-based): chr7:30,599,996, A>G. VCF-style: chr7-30599996-A-G. GRCh37 (hg19) VCF-style: chr7-30639612-A-G.
Other names: c.212A>G, p.Glu71Gly (NM_001316772.1); c.374A>G (NM_002047.2); short protein forms E71G, E125G.
Identifiers: ClinVar variation 9206 (VCV000009206.8), dbSNP rs137852645, ClinGen allele CA254708.

ClinVar aggregate classification (germline): Conflicting classifications of pathogenicity. Review status: no assertion criteria provided (0 of 4 stars). 5 submissions from 4 submitters: Pathogenic (2); Uncertain significance (2). 1 of the submissions does not count toward it. Last evaluated 2016-01-06.

Conditions:
Charcot-Marie-Tooth disease. Also called: Charcot-Marie-Tooth Neuropathy; Charcot-Marie-Tooth Hereditary Neuropathy. Identifiers: Orphanet 166, MedGen C0007959, MONDO:0015626.
Charcot-Marie-Tooth disease type 2D (CMT2D). Also called: Charcot-Marie-Tooth Neuropathy Type 2D; CHARCOT-MARIE-TOOTH DISEASE, AXONAL, TYPE 2D; GARS1 Adolescent- or Early Adult-Onset Hereditary Motor/Sensory Neuropathy (GARS1-HMSN); CHARCOT-MARIE-TOOTH DISEASE, NEURONAL, TYPE 2D. Identifiers: Orphanet 99938, MedGen C1832274, MONDO:0011091, OMIM 601472.
Neuronopathy, distal hereditary motor, type 5A (HMND5). Also called: DHMN VA; NEURONOPATHY, DISTAL HEREDITARY MOTOR, AUTOSOMAL DOMINANT 5; Distal Spinal Muscular Atrophy V; Distal Spinal Muscular Atrophy V (dSMA-V). Identifiers: Orphanet 139536, MedGen CN031873, MONDO:0015353, OMIM 600794.

Submissions (5):

Inherited Neuropathy Consortium Ii, University Of Miami
Classification: Uncertain significance for Charcot-Marie-Tooth disease type 2D. Last evaluated: 2016-01-06. Review status: no assertion criteria provided. Collection method: literature only. Allele origin: germline. Affected: yes.

OMIM
Classification: Pathogenic for CHARCOT-MARIE-TOOTH DISEASE, AXONAL, TYPE 2D. Last evaluated: 2014-11-01. Review status: no assertion criteria provided. Collection method: literature only. Allele origin: germline.

OMIM
Classification: Pathogenic for NEURONOPATHY, DISTAL HEREDITARY MOTOR, AUTOSOMAL DOMINANT 5. Last evaluated: 2014-11-01. Review status: no assertion criteria provided. Collection method: literature only. Allele origin: germline.

GeneReviews
No classification provided. Condition: Charcot-Marie-Tooth disease type 2D. Review status: no classification provided. Collection method: literature only. Allele origin: germline. Not counted in ClinVar's aggregate classification.
Comment: GARS1-HMSN (CMT2D & dSMA-V) [Antonellis et al 2003, He et al 2015]

Inherited Neuropathy Consortium
Classification: Uncertain significance for Charcot-Marie-Tooth disease. Review status: no assertion criteria provided. Collection method: literature only. Allele origin: germline. Affected: yes.

Literature cited by the submitters: PubMed 12690580 (cited by 4 submitters); PubMed 9879677 (cited by OMIM); PubMed 25168514 (cited by OMIM); PubMed 26503042 (cited by GeneReviews); PubMed 20301420 (cited by GeneReviews).